The following is an entry in ClinVar:

ClinVar aggregate classification (germline): Uncertain significance. Review status: criteria provided, multiple submitters, no conflicts (2 of 4 stars). 2 submissions from 2 submitters: Uncertain significance (2). Last evaluated 2025-08-05.

Conditions:
Hereditary cancer-predisposing syndrome. Also called: Tumor predisposition; Neoplastic Syndromes, Hereditary; Hereditary Cancer Syndrome; Hereditary neoplastic syndrome. Identifiers: Orphanet 140162, MedGen C0027672, MeSH D009386, MONDO:0015356.
Multiple endocrine neoplasia, type 2 (MEN2). Identifiers: Orphanet 653, MedGen C4048306, MONDO:0019003. Disease mechanism: gain of function.

Submissions (2):

Ambry Genetics
Classification: Uncertain significance for Hereditary cancer-predisposing syndrome. Last evaluated: 2025-08-05. Review status: criteria provided, single submitter. Criteria: Ambry Variant Classification Scheme 2023. Collection method: clinical testing. Allele origin: germline.
Comment: The c.2075_2076delCCinsAA variant (also known as p.A692E), located in coding exon 11 of the RET gene, results from an in-frame deletion of CC and insertion of AA at nucleotide positions 2075 to 2076. This results in the substitution of the alanine residue for a glutamic acid residue at codon 692, an amino acid with dissimilar properties. This alteration was identified in an individual diagnosed with Hirschsprung disease (Pini Prato A et al. Front Pediatr, 2019 Aug;7:326). This amino acid position is not well conserved in available vertebrate species. In addition, this variant is predicted to be neutral by in silico analysis (Choi Y et al. PLoS ONE. 2012; 7(10):e46688). Based on the available evidence, the clinical significance of this variant remains unclear.

Labcorp Genetics (formerly Invitae), Labcorp
Classification: Uncertain significance for Multiple endocrine neoplasia, type 2. Last evaluated: 2022-06-23. Review status: criteria provided, single submitter. Criteria: Invitae Variant Classification Sherloc (09022015). Collection method: clinical testing. Allele origin: germline.
Comment: This sequence change replaces alanine, which is neutral and non-polar, with glutamic acid, which is acidic and polar, at codon 692 of the RET protein (p.Ala692Glu). Information on the frequency of this variant in the gnomAD database is not available, as this variant may be reported differently in the database. This variant has not been reported in the literature in individuals affected with RET-related conditions. Algorithms developed to predict the effect of missense changes on protein structure and function are either unavailable or do not agree on the potential impact of this missense change (SIFT: "Not Available"; PolyPhen-2: "Benign"; Align-GVGD: "Not Available"). In summary, the available evidence is currently insufficient to determine the role of this variant in disease. Therefore, it has been classified as a Variant of Uncertain Significance.

Literature cited by the submitters: PubMed 31448249 (cited by Ambry Genetics).

NM_020975.6(RET):c.2075_2076delinsAA (p.Ala692Glu)

Gene: RET (ret proto-oncogene; plus strand). Cytogenetic location: 10q11.21.
Variant type: Indel.
Coding change: c.2075_2076delinsAA on transcript NM_020975.6 (MANE Select); coding-DNA positions 2075 to 2076, CC replaced by AA.
Protein change: p.Ala692Glu; replaces alanine 692 with glutamic acid.
Molecular consequence: missense variant.
Genome position (GRCh38, 1-based): chr10:43,114,675-43,114,676, CC replaced by AA. VCF-style: chr10-43114675-CC-AA. GRCh37 (hg19) VCF-style: chr10-43610123-CC-AA.
Other names: c.2075_2076delCCinsAA, p.Ala692Glu (NM_000323.2, NM_001406743.1, NM_001406744.1 and 4 more transcripts); c.1313_1314delCCinsAA, p.Ala438Glu (NM_001355216.2); c.1946_1947delCCinsAA, p.Ala649Glu (NM_001406761.1, NM_001406762.1, NM_001406764.1); c.1940_1941delCCinsAA, p.Ala647Glu (NM_001406763.1, NM_001406765.1); c.1787_1788delCCinsAA, p.Ala596Glu (NM_001406766.1, NM_001406767.1, NM_001406770.1); c.1811_1812delCCinsAA, p.Ala604Glu (NM_001406768.1); c.1679_1680delCCinsAA, p.Ala560Glu (NM_001406769.1, NM_001406772.1); c.1637_1638delCCinsAA, p.Ala546Glu (NM_001406771.1, NM_001406773.1); and 10 more; short protein forms A297E, A350E, A604E, A692E, A209E, A353E, A438E, A560E.
Identifiers: ClinVar variation 1906422 (VCV001906422.6), dbSNP rs2538500753, ClinGen allele CA2580081489.